The following is an entry in ClinVar:

NM_000051.4(ATM):c.4050G>C (p.Thr1350=)

Gene: ATM (ATM serine/threonine kinase; plus strand). Cytogenetic location: 11q22.3.
Variant type: single nucleotide variant.
Coding change: c.4050G>C on transcript NM_000051.4 (MANE Select); coding-DNA position 4050, G replaced by C.
Protein change: p.Thr1350=; no amino-acid change (threonine 1350 retained).
Molecular consequence: synonymous variant.
Genome position (GRCh38, 1-based): chr11:108,287,656, G>C. VCF-style: chr11-108287656-G-C. GRCh37 (hg19) VCF-style: chr11-108158383-G-C.
Other names: c.4050G>C, p.Thr1350= (NM_001351834.2).
Identifiers: ClinVar variation 3254488 (VCV003254488.1), dbSNP rs770697446.

ClinVar aggregate classification (germline): Benign (1 of 4 stars; one submission).

Conditions:
Familial cancer of breast. Also called: BREAST CANCER, FAMILIAL; Hereditary breast cancer; hereditary breast carcinoma. Identifiers: Orphanet 227535, MedGen C0346153, MONDO:0016419, OMIM 114480. Disease mechanism: loss of function.

Submission:

Myriad Genetics, Inc.
Classification: Benign for Familial cancer of breast. Last evaluated: 2024-05-16. Review status: criteria provided, single submitter. Criteria: Myriad Autosomal Dominant, Autosomal Recessive and X-Linked Classification Criteria (2023). Collection method: clinical testing. Allele origin: unknown.
Comment: This variant is considered benign. This variant is a silent/synonymous amino acid change and it is not expected to impact splicing.